The following is an entry in ClinVar:

NM_001367624.2(ZNF469):c.8075C>T (p.Pro2692Leu)

Gene: ZNF469 (zinc finger protein 469; plus strand). Cytogenetic location: 16q24.2.
Variant type: single nucleotide variant.
Coding change: c.8075C>T on transcript NM_001367624.2 (MANE Select); coding-DNA position 8075, C replaced by T.
Protein change: p.Pro2692Leu; replaces proline 2692 with leucine.
Molecular consequence: missense variant.
Genome position (GRCh38, 1-based): chr16:88,435,545, C>T. VCF-style: chr16-88435545-C-T. GRCh37 (hg19) VCF-style: chr16-88501953-C-T.
Other names: NM_001127464.1:c.7991C>T; short protein forms P2692L.
Identifiers: ClinVar variation 3232857 (VCV003232857.1), dbSNP rs1471858401, ClinGen allele CA397115841.

ClinVar aggregate classification (germline): Uncertain significance (1 of 4 stars; one submission).

Conditions:
Cardiovascular phenotype. Identifiers: MedGen CN230736.

Allele frequency attached by ClinVar (database versions not stated): gnomAD 0.00001; gnomAD exomes 0.00001; TOPMed 0.00003.
gnomAD v4.1: 13 of 1,549,562 alleles (0.00084%); highest among the groups gnomAD compares: Admixed American, 0.002%; no homozygotes.

Submission:

Ambry Genetics
Classification: Uncertain significance for Cardiovascular phenotype. Last evaluated: 2023-10-19. Review status: criteria provided, single submitter. Criteria: Ambry Variant Classification Scheme 2023. Collection method: clinical testing. Allele origin: germline.
Comment: The p.P2664L variant (also known as c.7991C>T), located in coding exon 2 of the ZNF469 gene, results from a C to T substitution at nucleotide position 7991. The proline at codon 2664 is replaced by leucine, an amino acid with similar properties. This amino acid position is conserved. In addition, this alteration is predicted to be tolerated by in silico analysis. Since supporting evidence is limited at this time, the clinical significance of this alteration remains unclear.